The following is an entry in ClinVar:

ClinVar aggregate classification (germline): Benign/Likely benign (0 of 4 stars; one submission).

Submission:

ISCA site 4
Classification: Benign/Likely benign. Last evaluated: 2012-09-21. Review status: no assertion criteria provided. Collection method: clinical testing. Allele origin: unknown. Affected: yes. Observed: 2 variant alleles.
Comment: Likely benign (1), Benign (1)

Copy number variation identified through the course of routine clinical cytogenomic testing in postnatal populations, with clinical assertions as classified by the original submitter.

GRCh38/hg38 15q26.3(chr15:101875269-101962415)x3

Genes: FAM138E (family with sequence similarity 138 member E; plus strand), MIR1302-10 (microRNA 1302-10; minus strand), OR4F4 (olfactory receptor family 4 subfamily F member 4; minus strand), LOC129390751 (MPRA-validated peak2458 silencer; plus strand), LOC129390752 (MPRA-validated peak2459 silencer; plus strand). Cytogenetic location: 15q26.3.
Variant type: copy number gain.
Change: copy number 3 (three copies instead of two) of chr15:101,875,269-101,962,415 (87.1 kb, GRCh38 coordinates, 1-based), cytogenetic band 15q26.3.
Identifiers: ClinVar variation 150175 (VCV000150175.2).